The following is an entry in ClinVar:

ClinVar aggregate classification (germline): Benign. Review status: criteria provided, multiple submitters, no conflicts (2 of 4 stars). 5 submissions from 5 submitters: Benign (4). 1 of the submissions does not count toward it. Last evaluated 2026-01-19.

Conditions:
Dihydropyrimidinase deficiency (DPYSD). Also called: DPH DEFICIENCY; DPYS DEFICIENCY; dihydropyrimidinuria. Identifiers: Orphanet 38874, MedGen C0342803, MONDO:0009111, OMIM 222748.
DPYS-related disorder. Also called: DPYS-related condition.

Allele frequency attached by ClinVar (database versions not stated): gnomAD exomes 0.00837; ExAC 0.00869; ESP Exome Variant Server 0.01315; gnomAD 0.01317 and 0.01325; TOPMed 0.01534; 1000 Genomes Project 30x 0.02389; 1000 Genomes Project 0.02536.
gnomAD v4.1: 6,462 of 1,613,872 alleles (0.4%); highest among the groups gnomAD compares: East Asian, 4.4%; 119 homozygotes.

Submissions (5):

Labcorp Genetics (formerly Invitae), Labcorp
Classification: Benign. Last evaluated: 2026-01-19. Review status: criteria provided, single submitter. Criteria: Invitae Variant Classification Sherloc (09022015). Collection method: clinical testing. Allele origin: germline.

PreventionGenetics, part of Exact Sciences
Classification: Benign for DPYS-related condition. Last evaluated: 2024-10-07. Review status: criteria provided, single submitter. Criteria: ACMG Guidelines, 2015. Collection method: clinical testing. Allele origin: germline.
Comment: This variant is classified as benign based on ACMG/AMP sequence variant interpretation guidelines (Richards et al. 2015 PMID: 25741868, with internal and published modifications).

Illumina Laboratory Services, Illumina
Classification: Benign for Dihydropyrimidinase deficiency. Last evaluated: 2018-01-12. Review status: criteria provided, single submitter. Criteria: ICSL Variant Classification Criteria 13 December 2019. Collection method: clinical testing. Allele origin: germline.
Comment: This variant was observed in the ICSL laboratory as part of a predisposition screen in an ostensibly healthy population. It had not been previously curated by ICSL or reported in the Human Gene Mutation Database (HGMD: prior to June 1st, 2018), and was therefore a candidate for classification through an automated scoring system. Utilizing variant allele frequency, disease prevalence and penetrance estimates, and inheritance mode, an automated score was calculated to assess if this variant is too frequent to cause the disease. Based on the score and internal cut-off values, a variant classified as benign is not then subjected to further curation. The score for this variant resulted in a classification of benign for this disease.

Breakthrough Genomics
Classification: Benign. Review status: criteria provided, single submitter. Criteria: ACMG Guidelines, 2015. Collection method: not provided. Allele origin: germline. Inheritance: Autosomal recessive inheritance. Affected: yes.

Diasio Lab,  Mayo Clinic
No classification provided. Review status: no classification provided. Collection method: not provided. Allele origin: unknown. Not counted in ClinVar's aggregate classification.

NM_001385.3(DPYS):c.541C>T (p.Arg181Trp)

Gene: DPYS (dihydropyrimidinase; minus strand). Cytogenetic location: 8q22.3.
Variant type: single nucleotide variant.
Coding change: c.541C>T on transcript NM_001385.3 (MANE Select); coding-DNA position 541, C replaced by T.
Protein change: p.Arg181Trp; replaces arginine 181 with tryptophan.
Molecular consequence: missense variant.
Genome position (GRCh38, 1-based): chr8:104,447,386, G>A on the plus strand (C>T on the coding strand, the complement: DPYS is on the minus strand). VCF-style: chr8-104447386-G-A. GRCh37 (hg19) VCF-style: chr8-105459614-G-A.
Other names: short protein forms R181W.
Identifiers: ClinVar variation 100142 (VCV000100142.17), dbSNP rs36027551, ClinGen allele CA228217.